The following is an entry in ClinVar:

NM_001433706.1(NLRP8):c.2170G>A (p.Ala724Thr)

Gene: NLRP8 (NLR family pyrin domain containing 8; plus strand). Cytogenetic location: 19q13.43.
Variant type: single nucleotide variant.
Coding change: c.2170G>A on transcript NM_001433706.1 (MANE Select); coding-DNA position 2170, G replaced by A.
Protein change: p.Ala724Thr; replaces alanine 724 with threonine.
Molecular consequence: missense variant.
Genome position (GRCh38, 1-based): chr19:55,962,194, G>A. VCF-style: chr19-55962194-G-A. GRCh37 (hg19) VCF-style: chr19-56473560-G-A.
Other names: NM_176811.2:c.2170G>A; c.2170G>A, p.Ala724Thr (NM_001317000.1); short protein forms A724T.
Identifiers: ClinVar variation 103324 (VCV000103324.2), dbSNP rs199475840, ClinGen allele CA230417.

ClinVar aggregate classification (germline): not provided (0 of 4 stars; one submission).

Allele frequency attached by ClinVar (database versions not stated): 1000 Genomes Project 30x 0.00031; TOPMed 0.00019; 1000 Genomes Project 0.00040.
gnomAD v4.1: 244 of 1,614,100 alleles (0.015%); highest among the groups gnomAD compares: East Asian, 0.49%; no homozygotes.

Submission:

Human Evolutionary Genetics, Institut Pasteur
No classification provided. Review status: no classification provided. Collection method: not provided. Allele origin: germline.
ClinVar note: Converted during submission from untested to not provided.